The following is an entry in ClinVar:

NM_000089.4(COL1A2):c.2842C>T (p.Arg948Cys)

Gene: COL1A2 (collagen type I alpha 2 chain; plus strand). Cytogenetic location: 7q21.3.
Variant type: single nucleotide variant.
Coding change: c.2842C>T on transcript NM_000089.4 (MANE Select); coding-DNA position 2842, C replaced by T.
Protein change: p.Arg948Cys; replaces arginine 948 with cysteine.
Molecular consequence: missense variant.
Genome position (GRCh38, 1-based): chr7:94,425,756, C>T. VCF-style: chr7-94425756-C-T. GRCh37 (hg19) VCF-style: chr7-94055068-C-T.
Other names: p.Arg948Cys; short protein forms R948C.
Identifiers: ClinVar variation 945567 (VCV000945567.14), dbSNP rs779303344, ClinGen allele CA4347581.

ClinVar aggregate classification (germline): Uncertain significance. Review status: criteria provided, multiple submitters, no conflicts (2 of 4 stars). 4 submissions from 4 submitters: Uncertain significance (4). Last evaluated 2025-05-28.

Conditions:
Osteoporosis. Identifiers: MedGen C0029456, MONDO:0005298, OMIM 166710, HP:0000939.
Ehlers-Danlos syndrome, arthrochalasia type, 2. Also called: EHLERS-DANLOS SYNDROME, TYPE VIIB, AUTOSOMAL DOMINANT. Identifiers: MedGen CN293783, MONDO:0040501, OMIM 617821.
Osteogenesis imperfecta with normal sclerae, dominant form (OI4). Also called: OSTEOGENESIS IMPERFECTA WITH NORMAL SCLERAE; OSTEOGENESIS IMPERFECTA, TYPE IV, WITH DENTINOGENESIS IMPERFECTA; Osteogenesis imperfecta type 4; Osteogenesis Imperfecta Type IV; Common Variable Osteogenesis Imperfecta with Normal Sclerae. Identifiers: Orphanet 216820, Orphanet 666, MedGen C0268363, MONDO:0008148, OMIM 166220.
Combined osteogenesis imperfecta and Ehlers-Danlos syndrome 2. Also called: OIEDS SYNDROME 2. Identifiers: MedGen C5436847, MONDO:0030855, OMIM 619120.
Osteogenesis imperfecta, perinatal lethal (OI2). Also called: OSTEOGENESIS IMPERFECTA, TYPE II; Osteogenesis imperfecta, dominant perinatal lethal; OI, TYPE II; OSTEOGENESIS IMPERFECTA CONGENITA; VROLIK TYPE OF OSTEOGENESIS IMPERFECTA; Osteogenesis imperfecta type 2. Identifiers: Orphanet 216804, MedGen C0268358, MONDO:0008147, OMIM 166210.
Osteogenesis imperfecta type III (OI3). Also called: Osteogenesis imperfecta type 3; OI type 3; Osteogenesis imperfecta, progressively deforming with normal sclerae; OI type III; Progressively Deforming Osteogenesis Imperfecta. Identifiers: Orphanet 216812, Orphanet 666, MedGen C0268362, MONDO:0009804, OMIM 259420.
Ehlers-Danlos syndrome, cardiac valvular type. Identifiers: Orphanet 230851, MedGen C4303789, MONDO:0009159, OMIM 225320.
Osteogenesis imperfecta type I (OI1). Also called: Lobstein's Disease; OI, TYPE I; OSTEOGENESIS IMPERFECTA TARDA; OSTEOGENESIS IMPERFECTA WITH BLUE SCLERAE; Osteogenesis imperfecta type 1; Lobstein disease. Identifiers: Orphanet 216796, Orphanet 666, MedGen C0023931, MONDO:0008146, OMIM 166200. Disease mechanism: loss of function.
Ehlers-Danlos syndrome, classic type, 1 (EDSCL1). Also called: Ehlers-Danlos syndrome, type 1; EHLERS-DANLOS SYNDROME, GRAVIS TYPE; EHLERS-DANLOS SYNDROME, SEVERE CLASSIC TYPE; EDS I; Ehlers-Danlos Syndrome, Classic Type, COL5A1-Related. Identifiers: MedGen C0268335, MONDO:0019567, OMIM 130000.
Cardiovascular phenotype. Identifiers: MedGen CN230736.

gnomAD v4.1: 15 of 1,613,488 alleles (0.00093%); highest among the groups gnomAD compares: South Asian, 0.0033%; no homozygotes.

Submissions (4):

Mayo Clinic Laboratories, Mayo Clinic
Classification: Uncertain significance. Last evaluated: 2025-05-28. Review status: criteria provided, single submitter. Criteria: ACMG Guidelines, 2015. Collection method: clinical testing. Allele origin: germline. Observed: 1 variant allele.
Comment: PP3_moderate

Labcorp Genetics (formerly Invitae), Labcorp
Classification: Uncertain significance for Osteogenesis imperfecta type I; Ehlers-Danlos syndrome, classic type, 1. Last evaluated: 2025-04-10. Review status: criteria provided, single submitter. Criteria: Invitae Variant Classification Sherloc (09022015). Collection method: clinical testing. Allele origin: germline.
Comment: This sequence change replaces arginine, which is basic and polar, with cysteine, which is neutral and slightly polar, at codon 948 of the COL1A2 protein (p.Arg948Cys). This variant is present in population databases (rs779303344, gnomAD 0.007%). This variant has not been reported in the literature in individuals affected with COL1A2-related conditions. ClinVar contains an entry for this variant (Variation ID: 945567). Invitae Evidence Modeling of protein sequence and biophysical properties (such as structural, functional, and spatial information, amino acid conservation, physicochemical variation, residue mobility, and thermodynamic stability) indicates that this missense variant is expected to disrupt COL1A2 protein function with a positive predictive value of 95%. In summary, the available evidence is currently insufficient to determine the role of this variant in disease. Therefore, it has been classified as a Variant of Uncertain Significance.

Ambry Genetics
Classification: Uncertain significance for Cardiovascular phenotype. Last evaluated: 2025-02-22. Review status: criteria provided, single submitter. Criteria: Ambry Variant Classification Scheme 2023. Collection method: clinical testing. Allele origin: germline.
Comment: The p.R948C variant (also known as c.2842C>T), located in coding exon 44 of the COL1A2 gene, results from a C to T substitution at nucleotide position 2842. The arginine at codon 948 is replaced by cysteine, an amino acid with highly dissimilar properties. This variant has been reported in a biobank cohort (Salmasi MY et al. Int J Cardiol, 2022 Nov;366:1-9). This amino acid position is highly conserved in available vertebrate species. In addition, this alteration is predicted to be deleterious by in silico analysis. Based on the available evidence, the clinical significance of this variant remains unclear.

Fulgent Genetics
Classification: Uncertain significance for Osteogenesis imperfecta, perinatal lethal; Osteogenesis imperfecta with normal sclerae, dominant form; Osteoporosis; Ehlers-Danlos syndrome, cardiac valvular type; Osteogenesis imperfecta type III; Ehlers-Danlos syndrome, arthrochalasia type, 2; Combined osteogenesis imperfecta and Ehlers-Danlos syndrome 2. Last evaluated: 2022-02-14. Review status: criteria provided, single submitter. Criteria: ACMG Guidelines, 2015. Collection method: clinical testing. Allele origin: unknown.

Literature cited by the submitters: PubMed 35830949 (cited by Mayo Clinic Laboratories, Mayo Clinic and Ambry Genetics).